The following is an entry in ClinVar:

ClinVar aggregate classification (germline): Likely benign. Review status: criteria provided, multiple submitters, no conflicts (2 of 4 stars). 4 submissions from 4 submitters: Likely benign (4). Last evaluated 2025-09-10.

Conditions:
Inborn genetic diseases. Identifiers: MedGen C0950123, MeSH D030342.

Allele frequency attached by ClinVar (database versions not stated): gnomAD exomes 0.00011; ExAC 0.00020; ESP Exome Variant Server 0.00038; 1000 Genomes Project 0.00040; gnomAD 0.00041; 1000 Genomes Project 30x 0.00047; TOPMed 0.00051.
gnomAD v4.1: 224 of 1,611,208 alleles (0.014%); highest among the groups gnomAD compares: African/African-American, 0.13%; 1 homozygote.

Submissions (4):

Labcorp Genetics (formerly Invitae), Labcorp
Classification: Likely benign. Last evaluated: 2025-09-10. Review status: criteria provided, single submitter. Criteria: Invitae Variant Classification Sherloc (09022015). Collection method: clinical testing. Allele origin: germline.

Laboratory of Genetics, Children's Clinical University Hospital Latvia
Classification: Likely benign. Last evaluated: 2025-02-16. Review status: criteria provided, single submitter. Criteria: ACMG Guidelines, 2015. Collection method: clinical testing. Allele origin: germline. Affected: yes.

Ambry Genetics
Classification: Likely benign for Inborn genetic diseases. Last evaluated: 2024-04-08. Review status: criteria provided, single submitter. Criteria: Ambry Variant Classification Scheme 2023. Collection method: clinical testing. Allele origin: germline.

CeGaT Center for Human Genetics Tuebingen
Classification: Likely benign. Last evaluated: 2023-01-01. Review status: criteria provided, single submitter. Criteria: CeGaT Center For Human Genetics Tuebingen Variant Classification Criteria Version 2. Collection method: clinical testing. Allele origin: germline. Affected: yes. Observed: 1 variant allele.
Comment: DLL1: BP4, BS1

NM_005618.4(DLL1):c.1856C>T (p.Ala619Val)

Gene: DLL1 (delta like canonical Notch ligand 1; minus strand). Cytogenetic location: 6q27.
Variant type: single nucleotide variant.
Coding change: c.1856C>T on transcript NM_005618.4 (MANE Select); coding-DNA position 1856, C replaced by T.
Protein change: p.Ala619Val; replaces alanine 619 with valine.
Molecular consequence: missense variant.
Genome position (GRCh38, 1-based): chr6:170,283,423, G>A on the plus strand (C>T on the coding strand, the complement: DLL1 is on the minus strand). VCF-style: chr6-170283423-G-A. GRCh37 (hg19) VCF-style: chr6-170592511-G-A.
Other names: c.1856C>T (NM_005618.3); short protein forms A619V.
Identifiers: ClinVar variation 2067272 (VCV002067272.30), dbSNP rs147352089, ClinGen allele CA4106706.